The following is an entry in ClinVar:

ClinVar aggregate classification (germline): Likely benign. Review status: criteria provided, multiple submitters, no conflicts (2 of 4 stars). 3 submissions from 3 submitters: Likely benign (3). Last evaluated 2026-01-01.

Conditions:
Charcot-Marie-Tooth disease type 2. Also called: Charcot-Marie-Tooth type 2. Identifiers: Orphanet 64746, MedGen C0270914, MONDO:0018993.

Allele frequency attached by ClinVar (database versions not stated): ExAC 0.00004; gnomAD exomes 0.00004 and 0.00014; TOPMed 0.00030; gnomAD 0.00044 and 0.00046; 1000 Genomes Project 0.00100; 1000 Genomes Project 30x 0.00125.
gnomAD v4.1: 131 of 1,614,104 alleles (0.0081%); highest among the groups gnomAD compares: Admixed American, 0.21%; 2 homozygotes.

Submissions (3):

CeGaT Center for Human Genetics Tuebingen
Classification: Likely benign. Last evaluated: 2026-01-01. Review status: criteria provided, single submitter. Criteria: CeGaT Center For Human Genetics Tuebingen Variant Classification Criteria Version 2. Collection method: clinical testing. Allele origin: germline. Affected: yes. Observed: 2 variant alleles.
Comment: KIF1B: BS1

Labcorp Genetics (formerly Invitae), Labcorp
Classification: Likely benign for Charcot-Marie-Tooth disease type 2. Last evaluated: 2025-12-20. Review status: criteria provided, single submitter. Criteria: Invitae Variant Classification Sherloc (09022015). Collection method: clinical testing. Allele origin: germline.

Ambry Genetics
Classification: Likely benign. Last evaluated: 2025-09-25. Review status: criteria provided, single submitter. Criteria: Ambry Variant Classification Scheme 2023. Collection method: clinical testing. Allele origin: germline.

NM_001365951.3(KIF1B):c.4925G>A (p.Arg1642Lys)

Gene: KIF1B (kinesin family member 1B; plus strand). Cytogenetic location: 1p36.22.
Variant type: single nucleotide variant.
Coding change: c.4925G>A on transcript NM_001365951.3 (MANE Select); coding-DNA position 4925, G replaced by A.
Protein change: p.Arg1642Lys; replaces arginine 1642 with lysine.
Molecular consequence: missense variant.
Genome position (GRCh38, 1-based): chr1:10,371,241, G>A. VCF-style: chr1-10371241-G-A. GRCh37 (hg19) VCF-style: chr1-10431299-G-A.
Other names: c.4925G>A, p.Arg1642Lys (NM_001365952.1); c.4787G>A, p.Arg1596Lys (NM_015074.3); short protein forms R1596K, R1642K.
Identifiers: ClinVar variation 1596004 (VCV001596004.23), dbSNP rs190124441, ClinGen allele CA582220.
Genomic context (GRCh38, chr1:10,371,241, plus strand): 5'-CCAGTTTCAGCAGTGCCACCCTCACTCCCTCCTCCACCTGTCCCTCTCTGGTAGACTCTA[G>A]GAGCAACTCTCTGGATCAGAAGTAAGTACCCAGATTTCACTGAGAGAAGTCAATCTAAGA-3'
Protein context (NP_001352880.1, residues 1632-1652): SSTCPSLVDS[Arg1642Lys]SNSLDQKTPE